The following is an entry in ClinVar:

NM_001352027.3(PHF21A):c.2012C>T (p.Thr671Ile)

Gene: PHF21A (PHD finger protein 21A; minus strand). Cytogenetic location: 11p11.2.
Variant type: single nucleotide variant.
Coding change: c.2012C>T on transcript NM_001352027.3 (MANE Select); coding-DNA position 2012, C replaced by T.
Protein change: p.Thr671Ile; replaces threonine 671 with isoleucine.
Molecular consequence: missense variant. On other transcripts: non-coding transcript variant (2).
Genome position (GRCh38, 1-based): chr11:45,934,002, G>A on the plus strand (C>T on the coding strand, the complement: PHF21A is on the minus strand). VCF-style: chr11-45934002-G-A. GRCh37 (hg19) VCF-style: chr11-45955553-G-A.
Other names: c.2009C>T, p.Thr670Ile (NM_001101802.3); c.2012C>T, p.Thr671Ile (NM_001352025.3, NM_001352026.3, NM_001441170.1); c.1871C>T, p.Thr624Ile (NM_001352028.1, NM_001352029.1, NM_016621.5); c.1868C>T, p.Thr623Ile (NM_001352030.3, NM_001352031.3, NM_001352032.3); c.2033C>T, p.Thr678Ile (NM_001441167.1, NM_001441168.1); c.2030C>T, p.Thr677Ile (NM_001441169.1); c.1853C>T, p.Thr618Ile (NM_001441171.1); c.1760C>T, p.Thr587Ile (NM_001441172.1); short protein forms T624I, T671I, T618I, T587I, T670I, T623I, T677I, T678I.
Identifiers: ClinVar variation 4692142 (VCV004692142.1).

ClinVar aggregate classification (germline): Uncertain significance (1 of 4 stars; one submission).

gnomAD v4.1: 7 of 1,601,640 alleles (0.00044%); highest among the groups gnomAD compares: East Asian, 0.013%; no homozygotes.

Submission:

Labcorp Genetics (formerly Invitae), Labcorp
Classification: Uncertain significance. Last evaluated: 2025-03-09. Review status: criteria provided, single submitter. Criteria: Invitae Variant Classification Sherloc (09022015). Collection method: clinical testing. Allele origin: germline.
Comment: This sequence change replaces threonine, which is neutral and polar, with isoleucine, which is neutral and non-polar, at codon 670 of the PHF21A protein (p.Thr670Ile). This variant is present in population databases (rs758501208, gnomAD 0.02%). This variant has not been reported in the literature in individuals affected with PHF21A-related conditions. An algorithm developed to predict the effect of missense changes on protein structure and function (PolyPhen-2) suggests that this variant is likely to be tolerated. In summary, the available evidence is currently insufficient to determine the role of this variant in disease. Therefore, it has been classified as a Variant of Uncertain Significance.